The following is an entry in ClinVar:

NM_001382567.1(STIM1):c.2135A>G (p.Lys712Arg)

Gene: STIM1 (stromal interaction molecule 1; plus strand). Cytogenetic location: 11p15.4.
Variant type: single nucleotide variant.
Coding change: c.2135A>G on transcript NM_001382567.1 (MANE Select); coding-DNA position 2135, A replaced by G.
Protein change: p.Lys712Arg; replaces lysine 712 with arginine.
Molecular consequence: missense variant. On other transcripts: 3 prime UTR variant (4), non-coding transcript variant (3).
Genome position (GRCh38, 1-based): chr11:4,091,782, A>G. VCF-style: chr11-4091782-A-G. GRCh37 (hg19) VCF-style: chr11-4113012-A-G.
Other names: c.2360A>G, p.Lys787Arg (NM_001277961.3); c.*456A>G (NM_001277962.2, NM_001382578.1, NM_001382579.1 and 1 more transcripts); c.2138A>G, p.Lys713Arg (NM_001382566.1); c.2063A>G, p.Lys688Arg (NM_001382568.1); c.1907A>G, p.Lys636Arg (NM_001382569.1); c.1814A>G, p.Lys605Arg (NM_001382570.1); c.1562A>G, p.Lys521Arg (NM_001382571.1); c.1820A>G, p.Lys607Arg (NM_001382575.1, NM_001382576.1, NM_001382577.1); and 2 more; short protein forms K518R, K521R, K605R, K607R, K636R, K681R, K688R, K712R.
Identifiers: ClinVar variation 2672454 (VCV002672454.23), dbSNP rs1486705680, ClinGen allele CA379198489.

ClinVar aggregate classification (germline): Uncertain significance (1 of 4 stars; one submission).

Allele frequency attached by ClinVar (database versions not stated): gnomAD exomes 0.00001.
gnomAD v4.1: 3 of 1,605,886 alleles (0.00019%); highest among the groups gnomAD compares: Non-Finnish European, 0.00025%; no homozygotes.

Submission:

CeGaT Center for Human Genetics Tuebingen
Classification: Uncertain significance. Last evaluated: 2023-11-01. Review status: criteria provided, single submitter. Criteria: CeGaT Center For Human Genetics Tuebingen Variant Classification Criteria Version 2. Collection method: clinical testing. Allele origin: germline. Affected: yes. Observed: 1 variant allele.
Comment: STIM1: PM2